The following is an entry in ClinVar:

ClinVar aggregate classification (germline): Uncertain significance. Review status: criteria provided, multiple submitters, no conflicts (2 of 4 stars). 3 submissions from 3 submitters: Uncertain significance (3). Last evaluated 2025-05-07.

Conditions:
Hypertrophic cardiomyopathy. Also called: HYPERTROPHIC MYOCARDIOPATHY. Identifiers: Orphanet 217569, MedGen C0007194, MeSH D002312, MONDO:0005045, HP:0001639.
Cardiovascular phenotype. Identifiers: MedGen CN230736.

Allele frequency attached by ClinVar (database versions not stated): gnomAD exomes 0.00001.
gnomAD v4.1: 2 of 1,614,178 alleles (0.00012%); highest among the groups gnomAD compares: Admixed American, 0.0033%; no homozygotes.

Submissions (3):

Labcorp Genetics (formerly Invitae), Labcorp
Classification: Uncertain significance for Hypertrophic cardiomyopathy. Last evaluated: 2025-05-07. Review status: criteria provided, single submitter. Criteria: Invitae Variant Classification Sherloc (09022015). Collection method: clinical testing. Allele origin: germline.
Comment: This sequence change replaces glutamic acid, which is acidic and polar, with glutamine, which is neutral and polar, at codon 202 of the TNNI3 protein (p.Glu202Gln). This variant is present in population databases (no rsID available, gnomAD 0.006%). This missense change has been observed in individual(s) with dilated cardiomyopathy (internal data). ClinVar contains an entry for this variant (Variation ID: 1677817). An algorithm developed to predict the effect of missense changes on protein structure and function (PolyPhen-2) suggests that this variant is likely to be disruptive. In summary, the available evidence is currently insufficient to determine the role of this variant in disease. Therefore, it has been classified as a Variant of Uncertain Significance.

Ambry Genetics
Classification: Uncertain significance for Cardiovascular phenotype. Last evaluated: 2022-05-02. Review status: criteria provided, single submitter. Criteria: Ambry Variant Classification Scheme 2023. Collection method: clinical testing. Allele origin: germline.
Comment: The p.E202Q variant (also known as c.604G>C), located in coding exon 8 of the TNNI3 gene, results from a G to C substitution at nucleotide position 604. The glutamic acid at codon 202 is replaced by glutamine, an amino acid with highly similar properties. This amino acid position is conserved. In addition, the in silico prediction for this alteration is inconclusive. Since supporting evidence is limited at this time, the clinical significance of this alteration remains unclear.

AiLife Diagnostics
Classification: Uncertain significance. Last evaluated: 2022-01-18. Review status: criteria provided, single submitter. Criteria: ACMG Guidelines, 2015. Collection method: clinical testing. Allele origin: germline. Affected: yes. Observed: 1 variant allele.

NM_000363.5(TNNI3):c.604G>C (p.Glu202Gln)

Gene: TNNI3 (troponin I3, cardiac type; minus strand). Cytogenetic location: 19q13.42.
Variant type: single nucleotide variant.
Coding change: c.604G>C on transcript NM_000363.5 (MANE Select); coding-DNA position 604, G replaced by C.
Protein change: p.Glu202Gln; replaces glutamic acid 202 with glutamine.
Molecular consequence: missense variant.
Genome position (GRCh38, 1-based): chr19:55,151,863, C>G on the plus strand (G>C on the coding strand, the complement: TNNI3 is on the minus strand). VCF-style: chr19-55151863-C-G. GRCh37 (hg19) VCF-style: chr19-55663231-C-G.
Other names: short protein forms E202Q.
Identifiers: ClinVar variation 1677817 (VCV001677817.5), dbSNP rs1470970097, ClinGen allele CA407439485.